The following is an entry in ClinVar:

ClinVar aggregate classification (germline): Benign/Likely benign. Review status: criteria provided, multiple submitters, no conflicts (2 of 4 stars). 2 submissions from 2 submitters: Benign (1); Likely benign (1). Last evaluated 2024-10-30.

Conditions:
Vitreoretinopathy. Also called: Vitreoretinal degeneration. Identifiers: MedGen C0344290, MONDO:0020248, HP:0007773.

Allele frequency attached by ClinVar (database versions not stated): ExAC 0.00044; 1000 Genomes Project 0.00060; 1000 Genomes Project 30x 0.00062; gnomAD 0.00070 and 0.00071; ESP Exome Variant Server 0.00085; TOPMed 0.00089.
gnomAD v4.1: 1,115 of 1,613,424 alleles (0.069%); highest among the groups gnomAD compares: Admixed American, 0.12%; no homozygotes.

Submissions (2):

Blueprint Genetics
Classification: Likely benign. Last evaluated: 2024-10-30. Review status: criteria provided, single submitter. Criteria: ACMG Guidelines, 2015. Collection method: clinical testing. Allele origin: germline.

Illumina Laboratory Services, Illumina
Classification: Benign for Vitreoretinopathy. Last evaluated: 2018-01-13. Review status: criteria provided, single submitter. Criteria: ICSL Variant Classification Criteria 13 December 2019. Collection method: clinical testing. Allele origin: germline.
Comment: This variant was observed in the ICSL laboratory as part of a predisposition screen in an ostensibly healthy population. It had not been previously curated by ICSL or reported in the Human Gene Mutation Database (HGMD: prior to June 1st, 2018), and was therefore a candidate for classification through an automated scoring system. Utilizing variant allele frequency, disease prevalence and penetrance estimates, and inheritance mode, an automated score was calculated to assess if this variant is too frequent to cause the disease. Based on the score and internal cut-off values, a variant classified as benign is not then subjected to further curation. The score for this variant resulted in a classification of benign for this disease.

NM_004385.5(VCAN):c.*18A>G

Gene: VCAN (versican; plus strand). Cytogenetic location: 5q14.3.
Variant type: single nucleotide variant.
Coding change: c.*18A>G on transcript NM_004385.5 (MANE Select); 18 bases downstream of the stop codon, A replaced by G.
Molecular consequence: 3 prime UTR variant.
Genome position (GRCh38, 1-based): chr5:83,580,452, A>G. VCF-style: chr5-83580452-A-G. GRCh37 (hg19) VCF-style: chr5-82876271-A-G.
Other names: c.*18A>G (NM_001126336.3, NM_001164097.2, NM_001164098.2).
Identifiers: ClinVar variation 354469 (VCV000354469.7), dbSNP rs187567161, ClinGen allele CA3334189.